The following is an entry in ClinVar:

ClinVar aggregate classification (germline): Uncertain significance (1 of 4 stars; one submission).

Submission:

Women's Health and Genetics/Laboratory Corporation of America, LabCorp
Classification: Uncertain significance. Last evaluated: 2022-11-21. Review status: criteria provided, single submitter. Criteria: LabCorp Variant Classification Summary - May 2015. Collection method: clinical testing. Allele origin: germline.
Comment: Variant summary: DSP c.2298-10C>G alters a nucleotide located close to a canonical splice site and therefore could affect mRNA splicing, leading to a significantly altered protein sequence. 4/4 computational tools predict no significant impact on normal splicing. However, these predictions have yet to be confirmed by functional studies. The variant was absent in 251218 control chromosomes (gnomAD). The available data on variant occurrences in the general population are insufficient to allow any conclusion about variant significance. To our knowledge, no occurrence of c.2298-10C>G in individuals affected with Arrhythmogenic Right Ventricular Dysplasia/Cardiomyopathy and no experimental evidence demonstrating its impact on protein function have been reported. No clinical diagnostic laboratories have submitted clinical-significance assessments for this variant to ClinVar after 2014. Based on the evidence outlined above, the variant was classified as uncertain significance.

NM_004415.4(DSP):c.2298-10C>G

Gene: DSP (desmoplakin; plus strand). Cytogenetic location: 6p24.3.
Variant type: single nucleotide variant.
Coding change: c.2298-10C>G on transcript NM_004415.4 (MANE Select); 10 bases into the intron before coding-DNA position 2298, C replaced by G.
Molecular consequence: intron variant.
Genome position (GRCh38, 1-based): chr6:7,574,647, C>G. VCF-style: chr6-7574647-C-G. GRCh37 (hg19) VCF-style: chr6-7574880-C-G.
Other names: c.2298-10C>G (NM_001319034.2, NM_001008844.3).
Identifiers: ClinVar variation 1804764 (VCV001804764.1), dbSNP rs1057522919, ClinGen allele CA2580075351.